The following is an entry in ClinVar:

NM_022132.5(MCCC2):c.328G>A (p.Asp110Asn)

Gene: MCCC2 (methylcrotonyl-CoA carboxylase subunit 2; plus strand). Cytogenetic location: 5q13.2.
Variant type: single nucleotide variant.
Coding change: c.328G>A on transcript NM_022132.5 (MANE Select); coding-DNA position 328, G replaced by A.
Protein change: p.Asp110Asn; replaces aspartic acid 110 with asparagine.
Molecular consequence: missense variant.
Genome position (GRCh38, 1-based): chr5:71,599,705, G>A. VCF-style: chr5-71599705-G-A. GRCh37 (hg19) VCF-style: chr5-70895532-G-A.
Other names: c.328G>A, p.Asp110Asn (NM_001363147.1); c.328G>A (NM_022132.4); short protein forms D110N.
Identifiers: ClinVar variation 1477793 (VCV001477793.4), dbSNP rs145438308, ClinGen allele CA3297741.
Genomic context (GRCh38, chr5:71,599,705, plus strand): 5'-TTTCTTCGCTTTAGGTCTCCATTTCTGGAATTATCCCAGTTTGCAGGTTACCAGTTATAT[G>A]ACAATGAGGAGGTGCCAGGAGGTGGCATTATTACAGGCATTGGAAGAGTATCAGGGTGAG-3'
Protein context (NP_071415.1, residues 100-120): LSQFAGYQLY[Asp110Asn]NEEVPGGGII

ClinVar aggregate classification (germline): Uncertain significance. Review status: criteria provided, multiple submitters, no conflicts (2 of 4 stars). 2 submissions from 2 submitters: Uncertain significance (2). Last evaluated 2025-04-11.

Conditions:
Inborn genetic diseases. Identifiers: MedGen C0950123, MeSH D030342.
3-methylcrotonyl-CoA carboxylase 2 deficiency. Also called: METHYLCROTONYLGLYCINURIA, TYPE II; 3 alpha methylcrotonyl-CoA carboxylase 2 deficiency; 3 alpha methylcrotonylglycinuria 2; MCC 2 deficiency; Methylcrotonylglycinuria type 2. Identifiers: Orphanet 6, MedGen C1859499, MONDO:0008862, OMIM 210210.

Allele frequency attached by ClinVar (database versions not stated): gnomAD exomes 0.00002 and 0.00008; ExAC 0.00013; 1000 Genomes Project 30x 0.00031; gnomAD 0.00039 and 0.00043; TOPMed 0.00039; 1000 Genomes Project 0.00040; ESP Exome Variant Server 0.00085.
gnomAD v4.1: 89 of 1,614,126 alleles (0.0055%); highest among the groups gnomAD compares: African/African-American, 0.12%; no homozygotes.

Submissions (2):

Ambry Genetics
Classification: Uncertain significance for Inborn genetic diseases. Last evaluated: 2025-04-11. Review status: criteria provided, single submitter. Criteria: Ambry Variant Classification Scheme 2023. Collection method: clinical testing. Allele origin: germline.

Labcorp Genetics (formerly Invitae), Labcorp
Classification: Uncertain significance for 3-methylcrotonyl-CoA carboxylase 2 deficiency. Last evaluated: 2022-10-13. Review status: criteria provided, single submitter. Criteria: Invitae Variant Classification Sherloc (09022015). Collection method: clinical testing. Allele origin: germline.
Comment: This sequence change replaces aspartic acid, which is acidic and polar, with asparagine, which is neutral and polar, at codon 110 of the MCCC2 protein (p.Asp110Asn). This variant is present in population databases (rs145438308, gnomAD 0.1%). This variant has not been reported in the literature in individuals affected with MCCC2-related conditions. ClinVar contains an entry for this variant (Variation ID: 1477793). Advanced modeling of protein sequence and biophysical properties (such as structural, functional, and spatial information, amino acid conservation, physicochemical variation, residue mobility, and thermodynamic stability) performed at Invitae indicates that this missense variant is not expected to disrupt MCCC2 protein function. In summary, the available evidence is currently insufficient to determine the role of this variant in disease. Therefore, it has been classified as a Variant of Uncertain Significance.